The following is an entry in ClinVar:

NM_017534.6(MYH2):c.1477A>C (p.Asn493His)

Genes: MYH2 (myosin heavy chain 2; minus strand), MYHAS (myosin heavy chain gene cluster antisense RNA; plus strand). Cytogenetic location: 17p13.1.
Variant type: single nucleotide variant.
Coding change: c.1477A>C on transcript NM_017534.6 (MANE Select); coding-DNA position 1477, A replaced by C.
Protein change: p.Asn493His; replaces asparagine 493 with histidine.
Molecular consequence: missense variant.
Genome position (GRCh38, 1-based): chr17:10,537,775, T>G on the plus strand (A>C on the coding strand, the complement: MYH2 is on the minus strand). VCF-style: chr17-10537775-T-G. GRCh37 (hg19) VCF-style: chr17-10441092-T-G.
Other names: c.1477A>C, p.Asn493His (NM_001100112.2); short protein forms N493H.
Identifiers: ClinVar variation 2845474 (VCV002845474.3), dbSNP rs2073500946, ClinGen allele CA398157804.

ClinVar aggregate classification (germline): Uncertain significance (1 of 4 stars; one submission).

Conditions:
Myopathy, proximal, and ophthalmoplegia (CMYO6). Also called: CONGENITAL MYOPATHY 6 WITH OPHTHALMOPLEGIA; INCLUSION BODY MYOPATHY 3, AUTOSOMAL DOMINANT; MYOPATHY WITH CONGENITAL JOINT CONTRACTURES, OPHTHALMOPLEGIA, AND RIMMED VACUOLES. Identifiers: Orphanet 363677, Orphanet 79091, MedGen C1854106, MONDO:0011577, OMIM 605637.

Allele frequency attached by ClinVar (database versions not stated): gnomAD 0.00002.
gnomAD v4.1: 3 of 1,614,108 alleles (0.00019%); highest among the groups gnomAD compares: African/African-American, 0.004%; no homozygotes.

Submission:

Labcorp Genetics (formerly Invitae), Labcorp
Classification: Uncertain significance for Myopathy, proximal, and ophthalmoplegia. Last evaluated: 2023-08-09. Review status: criteria provided, single submitter. Criteria: Invitae Variant Classification Sherloc (09022015). Collection method: clinical testing. Allele origin: germline.
Comment: This sequence change replaces asparagine, which is neutral and polar, with histidine, which is basic and polar, at codon 493 of the MYH2 protein (p.Asn493His). This variant is not present in population databases (gnomAD no frequency). This variant has not been reported in the literature in individuals affected with MYH2-related conditions. Advanced modeling of protein sequence and biophysical properties (such as structural, functional, and spatial information, amino acid conservation, physicochemical variation, residue mobility, and thermodynamic stability) performed at Invitae indicates that this missense variant is expected to disrupt MYH2 protein function. In summary, the available evidence is currently insufficient to determine the role of this variant in disease. Therefore, it has been classified as a Variant of Uncertain Significance.